The following is an entry in ClinVar:

NM_015978.3(TNNI3K):c.772G>T (p.Asp258Tyr)

Genes: FPGT-TNNI3K (FPGT-TNNI3K readthrough; plus strand), TNNI3K (TNNI3 interacting kinase; plus strand). Cytogenetic location: 1p31.1.
Variant type: single nucleotide variant.
Coding change: c.772G>T on transcript NM_015978.3 (MANE Select); coding-DNA position 772, G replaced by T.
Protein change: p.Asp258Tyr; replaces aspartic acid 258 with tyrosine.
Molecular consequence: missense variant.
Genome position (GRCh38, 1-based): chr1:74,342,931, G>T. VCF-style: chr1-74342931-G-T. GRCh37 (hg19) VCF-style: chr1-74808615-G-T.
Other names: c.1075G>T, p.Asp359Tyr (NM_001112808.3, NM_001199327.2); short protein forms D359Y, D258Y.
Identifiers: ClinVar variation 2744256 (VCV002744256.3), dbSNP rs2524361321, ClinGen allele CA340781754.

ClinVar aggregate classification (germline): Uncertain significance (1 of 4 stars; one submission).

Submission:

Labcorp Genetics (formerly Invitae), Labcorp
Classification: Uncertain significance. Last evaluated: 2023-07-17. Review status: criteria provided, single submitter. Criteria: Invitae Variant Classification Sherloc (09022015). Collection method: clinical testing. Allele origin: germline.
Comment: In summary, the available evidence is currently insufficient to determine the role of this variant in disease. Therefore, it has been classified as a Variant of Uncertain Significance. Advanced modeling of protein sequence and biophysical properties (such as structural, functional, and spatial information, amino acid conservation, physicochemical variation, residue mobility, and thermodynamic stability) performed at Invitae indicates that this missense variant is not expected to disrupt TNNI3K protein function. This variant has not been reported in the literature in individuals affected with TNNI3K-related conditions. This variant is not present in population databases (gnomAD no frequency). This sequence change replaces aspartic acid, which is acidic and polar, with tyrosine, which is neutral and polar, at codon 258 of the TNNI3K protein (p.Asp258Tyr).